The following is an entry in ClinVar:

NM_005618.4(DLL1):c.1792C>T (p.Arg598Cys)

Gene: DLL1 (delta like canonical Notch ligand 1; minus strand). Cytogenetic location: 6q27.
Variant type: single nucleotide variant.
Coding change: c.1792C>T on transcript NM_005618.4 (MANE Select); coding-DNA position 1792, C replaced by T.
Protein change: p.Arg598Cys; replaces arginine 598 with cysteine.
Molecular consequence: missense variant.
Genome position (GRCh38, 1-based): chr6:170,283,487, G>A on the plus strand (C>T on the coding strand, the complement: DLL1 is on the minus strand). VCF-style: chr6-170283487-G-A. GRCh37 (hg19) VCF-style: chr6-170592575-G-A.
Other names: short protein forms R598C.
Identifiers: ClinVar variation 4696827 (VCV004696827.1).

ClinVar aggregate classification (germline): Uncertain significance (1 of 4 stars; one submission).

Submission:

Labcorp Genetics (formerly Invitae), Labcorp
Classification: Uncertain significance. Last evaluated: 2025-03-13. Review status: criteria provided, single submitter. Criteria: Invitae Variant Classification Sherloc (09022015). Collection method: clinical testing. Allele origin: germline.
Comment: This sequence change replaces arginine, which is basic and polar, with cysteine, which is neutral and slightly polar, at codon 598 of the DLL1 protein (p.Arg598Cys). This variant is present in population databases (rs368185917, gnomAD 0.003%). This variant has not been reported in the literature in individuals affected with DLL1-related conditions. An algorithm developed to predict the effect of missense changes on protein structure and function (PolyPhen-2) suggests that this variant is likely to be disruptive. In summary, the available evidence is currently insufficient to determine the role of this variant in disease. Therefore, it has been classified as a Variant of Uncertain Significance.